The following is an entry in ClinVar:

NM_000257.4(MYH7):c.5800G>A (p.Glu1934Lys)

Gene: MYH7 (myosin heavy chain 7; minus strand). Cytogenetic location: 14q11.2.
Variant type: single nucleotide variant.
Coding change: c.5800G>A on transcript NM_000257.4 (MANE Select); coding-DNA position 5800, G replaced by A.
Protein change: p.Glu1934Lys; replaces glutamic acid 1934 with lysine.
Molecular consequence: missense variant.
Genome position (GRCh38, 1-based): chr14:23,412,862, C>T on the plus strand (G>A on the coding strand, the complement: MYH7 is on the minus strand). VCF-style: chr14-23412862-C-T. GRCh37 (hg19) VCF-style: chr14-23882071-C-T.
Other names: p.E1934K:GAG>AAG; c.5800G>A (LRG_384t1); short protein forms E1934K.
Identifiers: ClinVar variation 181292 (VCV000181292.17), dbSNP rs730880825, ClinGen allele CA016492.

ClinVar aggregate classification (germline): Uncertain significance. Review status: criteria provided, multiple submitters, no conflicts (2 of 4 stars). 5 submissions from 5 submitters: Uncertain significance (5). Last evaluated 2024-10-16.

Conditions:
Cardiovascular phenotype. Identifiers: MedGen CN230736.
Cardiomyopathy (CMYO). Also called: Cardiomyopathies. Identifiers: Orphanet 167848, MedGen C0878544, MONDO:0004994, HP:0001638. Inheritance: Various modes of inheritance.
Hypertrophic cardiomyopathy. Also called: HYPERTROPHIC MYOCARDIOPATHY. Identifiers: Orphanet 217569, MedGen C0007194, MeSH D002312, MONDO:0005045, HP:0001639.

Allele frequency attached by ClinVar (database versions not stated): gnomAD exomes 0.00001 and 0.00002; ExAC 0.00002.
gnomAD v4.1: 3 of 1,614,098 alleles (0.00019%); highest among the groups gnomAD compares: Admixed American, 0.005%; no homozygotes.

Submissions (5):

GeneDx
Classification: Uncertain significance. Last evaluated: 2024-10-16. Review status: criteria provided, single submitter. Criteria: GeneDx Variant Classification Process June 2021. Collection method: clinical testing. Allele origin: germline. Affected: yes.
Comment: Not observed at significant frequency in large population cohorts (gnomAD); In silico analysis indicates that this missense variant does not alter protein structure/function; Has not been previously published as pathogenic or benign to our knowledge

Labcorp Genetics (formerly Invitae), Labcorp
Classification: Uncertain significance for Hypertrophic cardiomyopathy. Last evaluated: 2024-02-27. Review status: criteria provided, single submitter. Criteria: Invitae Variant Classification Sherloc (09022015). Collection method: clinical testing. Allele origin: germline.
Comment: This sequence change replaces glutamic acid, which is acidic and polar, with lysine, which is basic and polar, at codon 1934 of the MYH7 protein (p.Glu1934Lys). This variant is present in population databases (rs730880825, gnomAD 0.01%). This variant has not been reported in the literature in individuals affected with MYH7-related conditions. ClinVar contains an entry for this variant (Variation ID: 181292). Advanced modeling of protein sequence and biophysical properties (such as structural, functional, and spatial information, amino acid conservation, physicochemical variation, residue mobility, and thermodynamic stability) has been performed at Invitae for this missense variant, however the output from this modeling did not meet the statistical confidence thresholds required to predict the impact of this variant on MYH7 protein function. In summary, the available evidence is currently insufficient to determine the role of this variant in disease. Therefore, it has been classified as a Variant of Uncertain Significance.

Ambry Genetics
Classification: Uncertain significance for Cardiovascular phenotype. Last evaluated: 2023-12-05. Review status: criteria provided, single submitter. Criteria: Ambry Variant Classification Scheme 2023. Collection method: clinical testing. Allele origin: germline.
Comment: The p.E1934K variant (also known as c.5800G>A), located in coding exon 38 of the MYH7 gene, results from a G to A substitution at nucleotide position 5800. The glutamic acid at codon 1934 is replaced by lysine, an amino acid with similar properties. This amino acid position is highly conserved in available vertebrate species. In addition, the in silico prediction for this alteration is inconclusive. Since supporting evidence is limited at this time, the clinical significance of this alteration remains unclear.

All of Us Research Program, National Institutes of Health
Classification: Uncertain significance for Cardiomyopathy. Last evaluated: 2023-11-20. Review status: criteria provided, single submitter. Criteria: ACMG Guidelines, 2015. Collection method: clinical testing. Allele origin: germline. Inheritance: Autosomal dominant inheritance. Observed: 1 variant allele, 1 heterozygote.
Comment: This missense variant replaces glutamic acid with lysine at codon 1934 of the MYH7 protein. Computational prediction suggests that this variant may not impact protein structure and function (internally defined REVEL score threshold <= 0.5, PMID: 27666373). To our knowledge, functional studies have not been reported for this variant. This variant has not been reported in individuals affected with MYH7-related disorders in the literature. This variant has been identified in 4/251232 chromosomes in the general population by the Genome Aggregation Database (gnomAD). The available evidence is insufficient to determine the role of this variant in disease conclusively. Therefore, this variant is classified as a Variant of Uncertain Significance.

This study involves interpretation of variants in research participants for the purpose of population health screening. Participant phenotype was not available at the time of variant classification. Additional details can be found in publication PMID: 35346344, PMCID: PMC8962531

Color Diagnostics, LLC DBA Color Health
Classification: Uncertain significance for Cardiomyopathy. Last evaluated: 2023-10-26. Review status: criteria provided, single submitter. Criteria: ACMG Guidelines, 2015. Collection method: clinical testing. Allele origin: germline.
Comment: This missense variant replaces glutamic acid with lysine at codon 1934 of the MYH7 protein. Computational prediction suggests that this variant may not impact protein structure and function (internally defined REVEL score threshold <= 0.5, PMID: 27666373). To our knowledge, functional studies have not been reported for this variant. This variant has not been reported in individuals affected with MYH7-related disorders in the literature. This variant has been identified in 4/251232 chromosomes in the general population by the Genome Aggregation Database (gnomAD). The available evidence is insufficient to determine the role of this variant in disease conclusively. Therefore, this variant is classified as a Variant of Uncertain Significance.